The following is an entry in ClinVar:

NM_004239.4(TRIP11):c.5629C>A (p.Pro1877Thr)

Gene: TRIP11 (thyroid hormone receptor interactor 11; minus strand). Cytogenetic location: 14q32.12.
Variant type: single nucleotide variant.
Coding change: c.5629C>A on transcript NM_004239.4 (MANE Select); coding-DNA position 5629, C replaced by A.
Protein change: p.Pro1877Thr; replaces proline 1877 with threonine.
Molecular consequence: missense variant.
Genome position (GRCh38, 1-based): chr14:91,972,807, G>T on the plus strand (C>A on the coding strand, the complement: TRIP11 is on the minus strand). VCF-style: chr14-91972807-G-T. GRCh37 (hg19) VCF-style: chr14-92439151-G-T.
Other names: c.5626C>A, p.Pro1876Thr (NM_001321851.1); short protein forms P1877T, P1876T.
Identifiers: ClinVar variation 449194 (VCV000449194.58), dbSNP rs148261539, ClinGen allele CA7313094.

ClinVar aggregate classification (germline): Conflicting classifications of pathogenicity. Review status: criteria provided, conflicting classifications (1 of 4 stars). 9 submissions from 9 submitters: Uncertain significance (1); Likely benign (7). 1 of the submissions does not count toward it. Last evaluated 2026-07-01.

Conditions:
Connective tissue disorder. Also called: Connective tissue disease. Identifiers: MedGen C0009782, MONDO:0003900.
Achondrogenesis, type IA (ACG1A). Identifiers: Orphanet 932, Orphanet 93299, MedGen C0265273, MONDO:0008701, OMIM 200600.
TRIP11-related disorder. Also called: TRIP11-Related Disorders; TRIP11-related condition.

Allele frequency attached by ClinVar (database versions not stated): 1000 Genomes Project 30x 0.00109; 1000 Genomes Project 0.00120; ExAC 0.00187; gnomAD exomes 0.00195 and 0.00424; gnomAD 0.00204; TOPMed 0.00241; ESP Exome Variant Server 0.00308.

Submissions (9):

CeGaT Center for Human Genetics Tuebingen
Classification: Likely benign. Last evaluated: 2026-07-01. Review status: criteria provided, single submitter. Criteria: CeGaT Center For Human Genetics Tuebingen Variant Classification Criteria Version 2. Collection method: clinical testing. Allele origin: germline. Affected: yes. Observed: 3 variant alleles.
Comment: TRIP11: BS2

Labcorp Genetics (formerly Invitae), Labcorp
Classification: Likely benign for Achondrogenesis, type IA. Last evaluated: 2025-12-27. Review status: criteria provided, single submitter. Criteria: Invitae Variant Classification Sherloc (09022015). Collection method: clinical testing. Allele origin: germline.

GeneDx
Classification: Likely benign. Last evaluated: 2025-04-02. Review status: criteria provided, single submitter. Criteria: GeneDx Variant Classification Process June 2021. Collection method: clinical testing. Allele origin: germline. Affected: yes.
Comment: See Variant Classification Assertion Criteria.

Blueprint Genetics
Classification: Likely benign. Last evaluated: 2024-11-21. Review status: criteria provided, single submitter. Criteria: ACMG Guidelines, 2015. Collection method: clinical testing. Allele origin: germline.

ARUP Laboratories, Molecular Genetics and Genomics, ARUP Laboratories
Classification: Likely benign. Last evaluated: 2021-05-12. Review status: criteria provided, single submitter. Criteria: ARUP Molecular Germline Variant Investigation Process 2021. Collection method: clinical testing. Allele origin: germline.

Genome Diagnostics Laboratory, The Hospital for Sick Children
Classification: Likely benign for Connective tissue disorder. Last evaluated: 2021-03-22. Review status: criteria provided, single submitter. Criteria: ACMG Guidelines, 2015. Collection method: clinical testing. Allele origin: germline.

Eurofins Ntd Llc (ga)
Classification: Uncertain significance. Last evaluated: 2017-10-06. Review status: criteria provided, single submitter. Criteria: EGL Classification Definitions 2015. Collection method: clinical testing. Allele origin: germline. Observed: 1 variant allele, 1 heterozygote.

Illumina Laboratory Services, Illumina
Classification: Likely benign for Achondrogenesis, type IA. Last evaluated: 2017-04-27. Review status: criteria provided, single submitter. Criteria: ICSL Variant Classification Criteria 13 December 2019. Collection method: clinical testing. Allele origin: germline.
Comment: This variant was observed as part of a predisposition screen in an ostensibly healthy population. A literature search was performed for the gene, cDNA change, and amino acid change (where applicable). No publications were found based on this search. Allele frequency data from public databases allowed determination this variant is unlikely to cause disease. Therefore, this variant is classified as likely benign.

PreventionGenetics, part of Exact Sciences
Classification: Likely benign for TRIP11-related condition. Last evaluated: 2022-04-14. Review status: no assertion criteria provided. Collection method: clinical testing. Allele origin: germline. Not counted in ClinVar's aggregate classification.
Comment: This variant is classified as likely benign based on ACMG/AMP sequence variant interpretation guidelines (Richards et al. 2015 PMID: 25741868, with internal and published modifications).